The following is an entry in ClinVar:

NM_001135146.2(SLC39A8):c.476C>T (p.Pro159Leu)

Gene: SLC39A8 (solute carrier family 39 member 8; minus strand). Cytogenetic location: 4q24.
Variant type: single nucleotide variant.
Coding change: c.476C>T on transcript NM_001135146.2 (MANE Select); coding-DNA position 476, C replaced by T.
Protein change: p.Pro159Leu; replaces proline 159 with leucine.
Molecular consequence: missense variant.
Genome position (GRCh38, 1-based): chr4:102,307,512, G>A on the plus strand (C>T on the coding strand, the complement: SLC39A8 is on the minus strand). VCF-style: chr4-102307512-G-A. GRCh37 (hg19) VCF-style: chr4-103228669-G-A.
Other names: c.476C>T, p.Pro159Leu (NM_001135147.1, NM_022154.5); c.275C>T, p.Pro92Leu (NM_001135148.2); short protein forms P92L, P159L.
Identifiers: ClinVar variation 4631356 (VCV004631356.2).

ClinVar aggregate classification (germline): Uncertain significance. Review status: criteria provided, multiple submitters, no conflicts (2 of 4 stars). 2 submissions from 2 submitters: Uncertain significance (2). Last evaluated 2026-02-14.

Conditions:
Inborn genetic diseases. Identifiers: MedGen C0950123, MeSH D030342.

gnomAD v4.1: 4 of 1,613,296 alleles (0.00025%); highest among the groups gnomAD compares: Non-Finnish European, 0.00034%; no homozygotes.

Submissions (2):

GeneDx
Classification: Uncertain significance. Last evaluated: 2026-02-14. Review status: criteria provided, single submitter. Criteria: GeneDx Variant Classification Process June 2021. Collection method: clinical testing. Allele origin: germline.
Comment: Not observed at significant frequency in large population cohorts (gnomAD); In silico analysis supports that this missense variant has a deleterious effect on protein structure/function; Has not been previously published as pathogenic or benign to our knowledge

Ambry Genetics
Classification: Uncertain significance for Inborn genetic diseases. Last evaluated: 2025-10-07. Review status: criteria provided, single submitter. Criteria: Ambry Variant Classification Scheme 2023. Collection method: clinical testing. Allele origin: germline.